The following is an entry in ClinVar:

ClinVar aggregate classification (germline): Benign/Likely benign. Review status: criteria provided, multiple submitters, no conflicts (2 of 4 stars). 3 submissions from 3 submitters: Benign (1); Likely benign (2). Last evaluated 2025-12-16.

Conditions:
Hereditary cancer-predisposing syndrome. Also called: Neoplastic Syndromes, Hereditary; Tumor predisposition; Hereditary neoplastic syndrome; Hereditary Cancer Syndrome. Identifiers: Orphanet 140162, MedGen C0027672, MeSH D009386, MONDO:0015356.
Multiple endocrine neoplasia, type 1 (MEN1). Also called: MEN I; WERMER SYNDROME; Endocrine adenomatosis multiple; MEN 1; MEA I. Identifiers: Orphanet 652, MedGen C0025267, MeSH D018761, MONDO:0007540, OMIM 131100.

Submissions (3):

Labcorp Genetics (formerly Invitae), Labcorp
Classification: Likely benign for Multiple endocrine neoplasia, type 1. Last evaluated: 2025-12-16. Review status: criteria provided, single submitter. Criteria: Invitae Variant Classification Sherloc (09022015). Collection method: clinical testing. Allele origin: germline.

Myriad Genetics, Inc.
Classification: Benign for Multiple endocrine neoplasia, type 1. Last evaluated: 2024-11-01. Review status: criteria provided, single submitter. Criteria: Myriad Autosomal Dominant, Autosomal Recessive and X-Linked Classification Criteria (2023). Collection method: clinical testing. Allele origin: unknown.
Comment: This variant is considered benign. This variant is a silent/synonymous amino acid change and it is not expected to impact splicing.

Ambry Genetics
Classification: Likely benign for Hereditary cancer-predisposing syndrome. Last evaluated: 2022-10-27. Review status: criteria provided, single submitter. Criteria: Ambry Variant Classification Scheme 2023. Collection method: clinical testing. Allele origin: germline.

NM_001370259.2(MEN1):c.786G>A (p.Lys262=)

Gene: MEN1 (menin 1; minus strand). Cytogenetic location: 11q13.1.
Variant type: single nucleotide variant.
Coding change: c.786G>A on transcript NM_001370259.2 (MANE Select); coding-DNA position 786, G replaced by A.
Protein change: p.Lys262=; no amino-acid change (lysine 262 retained).
Molecular consequence: synonymous variant. On other transcripts: non-coding transcript variant (4).
Genome position (GRCh38, 1-based): chr11:64,807,217, C>T on the plus strand (G>A on the coding strand, the complement: MEN1 is on the minus strand). VCF-style: chr11-64807217-C-T. GRCh37 (hg19) VCF-style: chr11-64574689-C-T.
Other names: c.801G>A, p.Lys267= (NM_000244.4, NM_001407145.1, NM_001407150.1 and 5 more transcripts); c.786G>A, p.Lys262= (NM_001370251.2, NM_001370260.2, NM_001370261.2 and 7 more transcripts); c.681G>A, p.Lys227= (NM_001370262.2, NM_001370263.2, NM_001407148.1 and 2 more transcripts).
Identifiers: ClinVar variation 1760958 (VCV001760958.8), dbSNP rs2136134487, ClinGen allele CA474983709.
Genomic context (GRCh38, chr11:64,807,217, plus strand): 5'-CTGGCCACTTCCCTCTACTGACCTTTCCAGATGTCCCAGGTCATAGAGCAGCCAGAGCAG[C>T]TTCTAGGAGCCGAAGGAGAGAGTTATGAGCCACGGAACAGGGAGGAGAACGGGTCCTTAG-3'
Protein context (NP_001357188.2, residues 252-272): DSLELLQLQQ[Lys262=]LLWLLYDLGH